The following is an entry in ClinVar:

NM_020713.3(ZNF512B):c.532A>G (p.Arg178Gly)

Gene: ZNF512B (zinc finger protein 512B; minus strand). Cytogenetic location: 20q13.33.
Variant type: single nucleotide variant.
Coding change: c.532A>G on transcript NM_020713.3 (MANE Select); coding-DNA position 532, A replaced by G.
Protein change: p.Arg178Gly; replaces arginine 178 with glycine.
Molecular consequence: missense variant.
Genome position (GRCh38, 1-based): chr20:63,966,643, T>C on the plus strand (A>G on the coding strand, the complement: ZNF512B is on the minus strand). VCF-style: chr20-63966643-T-C. GRCh37 (hg19) VCF-style: chr20-62597996-T-C.
Other names: short protein forms R178G.
Identifiers: ClinVar variation 3038137 (VCV003038137.2), dbSNP rs150966051, ClinGen allele CA9971394.

ClinVar aggregate classification (germline): Likely benign (0 of 4 stars; one submission).

Conditions:
ZNF512B-related disorder. Also called: ZNF512B-related condition.

Allele frequency attached by ClinVar (database versions not stated): 1000 Genomes Project 0.00180; 1000 Genomes Project 30x 0.00187; TOPMed 0.00456; gnomAD 0.00471; ExAC 0.00512; ESP Exome Variant Server 0.00531; gnomAD exomes 0.00713.
gnomAD v4.1: 11,031 of 1,613,374 alleles (0.68%); highest among the groups gnomAD compares: Non-Finnish European, 0.85%; 36 homozygotes.

Submission:

PreventionGenetics, part of Exact Sciences
Classification: Likely benign for ZNF512B-related condition. Last evaluated: 2019-05-02. Review status: no assertion criteria provided. Collection method: clinical testing. Allele origin: germline.
Comment: This variant is classified as likely benign based on ACMG/AMP sequence variant interpretation guidelines (Richards et al. 2015 PMID: 25741868, with internal and published modifications).